The following is an entry in ClinVar:

ClinVar aggregate classification (germline): Uncertain significance (1 of 4 stars; one submission).

gnomAD v4.1: 10 of 1,613,284 alleles (0.00062%); highest among the groups gnomAD compares: South Asian, 0.0099%; no homozygotes.

Submission:

GeneDx
Classification: Uncertain significance. Last evaluated: 2024-12-10. Review status: criteria provided, single submitter. Criteria: GeneDx Variant Classification Process June 2021. Collection method: clinical testing. Allele origin: germline. Affected: yes.
Comment: Has not been previously published as pathogenic or benign to our knowledge; In silico analysis is inconclusive as to whether the variant alters gene splicing. In the absence of RNA/functional studies, the actual effect of this sequence change is unknown

NM_000022.4(ADA):c.1078+5G>A

Gene: ADA (adenosine deaminase; minus strand). Cytogenetic location: 20q13.12.
Variant type: single nucleotide variant.
Coding change: c.1078+5G>A on transcript NM_000022.4 (MANE Select); 5 bases into the intron after coding-DNA position 1078, G replaced by A.
Molecular consequence: intron variant.
Genome position (GRCh38, 1-based): chr20:44,620,294, C>T on the plus strand (G>A on the coding strand, the complement: ADA is on the minus strand). VCF-style: chr20-44620294-C-T. GRCh37 (hg19) VCF-style: chr20-43248935-C-T.
Other names: c.673+5G>A (NM_001322050.2); c.1006+5G>A (NM_001322051.2).
Identifiers: ClinVar variation 3902976 (VCV003902976.1).